The following is an entry in ClinVar:

NM_013245.3(VPS4A):c.475C>T (p.Pro159Ser)

Gene: VPS4A (vacuolar protein sorting 4 homolog A; plus strand). Cytogenetic location: 16q22.1.
Variant type: single nucleotide variant.
Coding change: c.475C>T on transcript NM_013245.3 (MANE Select); coding-DNA position 475, C replaced by T.
Protein change: p.Pro159Ser; replaces proline 159 with serine.
Molecular consequence: missense variant.
Genome position (GRCh38, 1-based): chr16:69,319,398, C>T. VCF-style: chr16-69319398-C-T. GRCh37 (hg19) VCF-style: chr16-69353301-C-T.
Other names: short protein forms P159S.
Identifiers: ClinVar variation 2505936 (VCV002505936.1), dbSNP rs2544551467, ClinGen allele CA396468316.
Genomic context (GRCh38, chr16:69,319,398, plus strand): 5'-ATTCCTTTCCCCAGTCAGGAGGCCTAACTTCTGTGGTTCTCTGTTGCAGGCAAGCGCACC[C>T]CCTGGCGGGGGATTCTGCTGTTCGGACCCCCTGGCACAGGGAAATCCTACCTGGCCAAAG-3'
Protein context (NP_037377.1, residues 149-169): FPHLFTGKRT[Pro159Ser]WRGILLFGPP

ClinVar aggregate classification (germline): Uncertain significance (1 of 4 stars; one submission).

Submission:

GeneDx
Classification: Uncertain significance. Last evaluated: 2022-12-16. Review status: criteria provided, single submitter. Criteria: GeneDx Variant Classification Process June 2021. Collection method: clinical testing. Allele origin: germline. Affected: yes.
Comment: Not observed at significant frequency in large population cohorts (gnomAD); In silico analysis supports that this missense variant has a deleterious effect on protein structure/function; Has not been previously published as pathogenic or benign to our knowledge